The following is an entry in ClinVar:

ClinVar aggregate classification (germline): Uncertain significance (1 of 4 stars; one submission).

Conditions:
Mitochondrial complex II deficiency, nuclear type 1. Also called: SUCCINATE CoQ REDUCTASE DEFICIENCY. Identifiers: Orphanet 3208, MedGen C5700310, MONDO:0100294, OMIM 252011.
Pheochromocytoma/paraganglioma syndrome 5. Also called: Paragangliomas 5; SDHA-Related Hereditary Paraganglioma-Pheochromocytoma Syndrome. Identifiers: Orphanet 29072, MedGen C3279992, MONDO:0013602, OMIM 614165.

Submission:

Labcorp Genetics (formerly Invitae), Labcorp
Classification: Uncertain significance for Pheochromocytoma/paraganglioma syndrome 5; Mitochondrial complex II deficiency, nuclear type 1. Last evaluated: 2024-04-15. Review status: criteria provided, single submitter. Criteria: Invitae Variant Classification Sherloc (09022015). Collection method: clinical testing. Allele origin: germline.
Comment: This sequence change replaces aspartic acid, which is acidic and polar, with tyrosine, which is neutral and polar, at codon 362 of the SDHA protein (p.Asp362Tyr). This variant is not present in population databases (gnomAD no frequency). This variant has not been reported in the literature in individuals affected with SDHA-related conditions. ClinVar contains an entry for this variant (Variation ID: 1052627). Advanced modeling of protein sequence and biophysical properties (such as structural, functional, and spatial information, amino acid conservation, physicochemical variation, residue mobility, and thermodynamic stability) has been performed at Invitae for this missense variant, however the output from this modeling did not meet the statistical confidence thresholds required to predict the impact of this variant on SDHA protein function. Algorithms developed to predict the effect of sequence changes on RNA splicing suggest that this variant may create or strengthen a splice site. In summary, the available evidence is currently insufficient to determine the role of this variant in disease. Therefore, it has been classified as a Variant of Uncertain Significance.

NM_004168.4(SDHA):c.1084G>T (p.Asp362Tyr)

Gene: SDHA (succinate dehydrogenase complex flavoprotein subunit A; plus strand). Cytogenetic location: 5p15.33.
Variant type: single nucleotide variant.
Coding change: c.1084G>T on transcript NM_004168.4 (MANE Select); coding-DNA position 1084, G replaced by T.
Protein change: p.Asp362Tyr; replaces aspartic acid 362 with tyrosine.
Molecular consequence: missense variant.
Genome position (GRCh38, 1-based): chr5:235,163, G>T. VCF-style: chr5-235163-G-T. GRCh37 (hg19) VCF-style: chr5-235278-G-T.
Other names: c.940G>T, p.Asp314Tyr (NM_001294332.2); c.1084G>T, p.Asp362Tyr (NM_001330758.2); short protein forms D314Y, D362Y.
Identifiers: ClinVar variation 1052627 (VCV001052627.9), dbSNP rs2126584224, ClinGen allele CA359013418.